The following is an entry in ClinVar:

ClinVar aggregate classification (germline): Uncertain significance (1 of 4 stars; one submission).

Conditions:
Mucopolysaccharidosis, MPS-III-D (MPS3D). Also called: N-ACETYLGLUCOSAMINE-6-SULFATASE DEFICIENCY; SANFILIPPO SYNDROME D; MPS IIID (Sanfilippo Syndrome Type D); MPS III D; Mucopoly-saccharidosis type 3D; N-acetylglucosamine-6-sulfate sulfatase deficiency. Identifiers: Orphanet 581, Orphanet 79272, MedGen C0086650, MONDO:0009658, OMIM 252940.

Allele frequency attached by ClinVar (database versions not stated): TOPMed 0.00001.

Submission:

Labcorp Genetics (formerly Invitae), Labcorp
Classification: Uncertain significance for Mucopolysaccharidosis, MPS-III-D. Last evaluated: 2021-08-30. Review status: criteria provided, single submitter. Criteria: Invitae Variant Classification Sherloc (09022015). Collection method: clinical testing. Allele origin: germline.
Comment: This sequence change replaces leucine with valine at codon 29 of the GNS protein (p.Leu29Val). The leucine residue is moderately conserved and there is a small physicochemical difference between leucine and valine. This variant is not present in population databases (ExAC no frequency). This variant has not been reported in the literature in individuals affected with GNS-related conditions. Algorithms developed to predict the effect of missense changes on protein structure and function (SIFT, PolyPhen-2, Align-GVGD) all suggest that this variant is likely to be tolerated. In summary, the available evidence is currently insufficient to determine the role of this variant in disease. Therefore, it has been classified as a Variant of Uncertain Significance.

NM_002076.4(GNS):c.85C>G (p.Leu29Val)

Gene: GNS (glucosamine (N-acetyl)-6-sulfatase; minus strand). Cytogenetic location: 12q14.3.
Variant type: single nucleotide variant.
Coding change: c.85C>G on transcript NM_002076.4 (MANE Select); coding-DNA position 85, C replaced by G.
Protein change: p.Leu29Val; replaces leucine 29 with valine.
Molecular consequence: missense variant.
Genome position (GRCh38, 1-based): chr12:64,759,192, G>C on the plus strand (C>G on the coding strand, the complement: GNS is on the minus strand). VCF-style: chr12-64759192-G-C. GRCh37 (hg19) VCF-style: chr12-65152972-G-C.
Other names: short protein forms L29V.
Identifiers: ClinVar variation 2420804 (VCV002420804.3), dbSNP rs1245676297, ClinGen allele CA385613220.
Genomic context (GRCh38, chr12:64,759,192, plus strand): 5'-CGTTGGGCCTCCGGGTTCCCGCAGCCACCCCGAAGACCCCCAGGCAGCCGCCCAGCACCA[G>C]CAGTAGCAGCGCTGGGCTGCAGGAGGGCAGGTGGCGGGGGCTGCCCCGCCGGAGCCGACC-3'
Protein context (NP_002067.1, residues 19-39): LPSCSPALLL[Leu29Val]VLGGCLGVFG